The following is an entry in ClinVar:

NM_206899.1(OR10P1):c.756C>T (p.Phe252=)

Gene: OR10P1 (olfactory receptor family 10 subfamily P member 1; plus strand). Cytogenetic location: 12q13.2.
Variant type: single nucleotide variant.
Coding change: c.756C>T on transcript NM_206899.1 (MANE Select); coding-DNA position 756, C replaced by T.
Protein change: p.Phe252=; no amino-acid change (phenylalanine 252 retained).
Molecular consequence: synonymous variant.
Genome position (GRCh38, 1-based): chr12:55,637,647, C>T. VCF-style: chr12-55637647-C-T. GRCh37 (hg19) VCF-style: chr12-56031431-C-T.
Identifiers: ClinVar variation 4822735 (VCV004822735.4).

ClinVar aggregate classification (germline): Likely benign (1 of 4 stars; one submission).

Submission:

CeGaT Center for Human Genetics Tuebingen
Classification: Likely benign. Last evaluated: 2026-01-01. Review status: criteria provided, single submitter. Criteria: CeGaT Center For Human Genetics Tuebingen Variant Classification Criteria Version 2. Collection method: clinical testing. Allele origin: germline. Affected: yes. Observed: 1 variant allele.
Comment: OR10P1: PM2:Supporting, BP4, BP7